The following is an entry in ClinVar:

ClinVar aggregate classification (germline): Likely benign (1 of 4 stars; one submission).

Conditions:
USP9X-related disorder. Also called: USP9X-related condition.

Submission:

PreventionGenetics, part of Exact Sciences
Classification: Likely benign for USP9X-related condition. Last evaluated: 2025-01-31. Review status: criteria provided, single submitter. Criteria: ACMG Guidelines, 2015. Collection method: clinical testing. Allele origin: germline.
Comment: This variant is classified as likely benign based on ACMG/AMP sequence variant interpretation guidelines (Richards et al. 2015 PMID: 25741868, with internal and published modifications).

NM_001039591.3(USP9X):c.5332-7A>C

Gene: USP9X (ubiquitin specific peptidase 9 X-linked; plus strand). Cytogenetic location: Xp11.4.
Variant type: single nucleotide variant.
Coding change: c.5332-7A>C on transcript NM_001039591.3 (MANE Select); 7 bases into the intron before coding-DNA position 5332, A replaced by C.
Molecular consequence: intron variant.
Genome position (GRCh38, 1-based): chrX:41,215,892, A>C. VCF-style: chrX-41215892-A-C. GRCh37 (hg19) VCF-style: chrX-41075145-A-C.
Other names: c.5347-7A>C (NM_001410748.1, NM_001410749.1, NM_001437534.1); c.5332-7A>C (NM_001039590.3).
Identifiers: ClinVar variation 4983872 (VCV004983872.1).
Genomic context (GRCh38, chrX:41,215,892, plus strand): 5'-TGGGGTTTTTTTTTTTTTCCTGTGGATTTTAATAGAACATCTGGTAACTTTGTCTTGTTT[A>C]TTTTAGGTTGATACCGTAAAGCGCTTGCTGATTAAAAAATTACCTCCTGTTCTTGCTATA-3'